The following is an entry in ClinVar:

ClinVar aggregate classification (germline): Uncertain significance. Review status: criteria provided, multiple submitters, no conflicts (2 of 4 stars). 2 submissions from 2 submitters: Uncertain significance (2). Last evaluated 2025-08-12.

Conditions:
Inborn genetic diseases. Identifiers: MedGen C0950123, MeSH D030342.

Allele frequency attached by ClinVar (database versions not stated): gnomAD exomes 0.00001; ExAC 0.00003.
gnomAD v4.1: 5 of 1,609,002 alleles (0.00031%); highest among the groups gnomAD compares: Non-Finnish European, 0.00042%; no homozygotes.

Submissions (2):

Ambry Genetics
Classification: Uncertain significance for Inborn genetic diseases. Last evaluated: 2025-08-12. Review status: criteria provided, single submitter. Criteria: Ambry Variant Classification Scheme 2023. Collection method: clinical testing. Allele origin: germline.

Labcorp Genetics (formerly Invitae), Labcorp
Classification: Uncertain significance. Last evaluated: 2022-08-09. Review status: criteria provided, single submitter. Criteria: Invitae Variant Classification Sherloc (09022015). Collection method: clinical testing. Allele origin: germline.
Comment: In summary, the available evidence is currently insufficient to determine the role of this variant in disease. Therefore, it has been classified as a Variant of Uncertain Significance. Algorithms developed to predict the effect of missense changes on protein structure and function (SIFT, PolyPhen-2, Align-GVGD) all suggest that this variant is likely to be tolerated. ClinVar contains an entry for this variant (Variation ID: 1525464). This variant has not been reported in the literature in individuals affected with AP3B2-related conditions. The frequency data for this variant in the population databases is considered unreliable, as metrics indicate poor data quality at this position in the gnomAD database. This sequence change replaces arginine, which is basic and polar, with threonine, which is neutral and polar, at codon 670 of the AP3B2 protein (p.Arg670Thr).

NM_001278512.2(AP3B2):c.2066G>C (p.Arg689Thr)

Genes: CPEB1-AS1 (CPEB1 antisense RNA 1; plus strand), AP3B2 (adaptor related protein complex 3 subunit beta 2; minus strand). Cytogenetic location: 15q25.2.
Variant type: single nucleotide variant.
Coding change: c.2066G>C on transcript NM_001278512.2 (MANE Select); coding-DNA position 2066, G replaced by C.
Protein change: p.Arg689Thr; replaces arginine 689 with threonine.
Molecular consequence: missense variant.
Genome position (GRCh38, 1-based): chr15:82,664,906, C>G on the plus strand (G>C on the coding strand, the complement: AP3B2 is on the minus strand). VCF-style: chr15-82664906-C-G. GRCh37 (hg19) VCF-style: chr15-83333658-C-G.
Other names: c.2009G>C (NM_004644.3); c.1913G>C, p.Arg638Thr (NM_001278511.2); c.2009G>C, p.Arg670Thr (NM_004644.5); short protein forms R638T, R689T, R670T.
Identifiers: ClinVar variation 1525464 (VCV001525464.9), dbSNP rs778950470, ClinGen allele CA7700023.